The following is an entry in ClinVar:

NM_033004.4(NLRP1):c.2051G>A (p.Arg684Lys)

Gene: NLRP1 (NLR family pyrin domain containing 1; minus strand). Cytogenetic location: 17p13.2.
Variant type: single nucleotide variant.
Coding change: c.2051G>A on transcript NM_033004.4 (MANE Select); coding-DNA position 2051, G replaced by A.
Protein change: p.Arg684Lys; replaces arginine 684 with lysine.
Molecular consequence: missense variant.
Genome position (GRCh38, 1-based): chr17:5,558,645, C>T on the plus strand (G>A on the coding strand, the complement: NLRP1 is on the minus strand). VCF-style: chr17-5558645-C-T. GRCh37 (hg19) VCF-style: chr17-5461965-C-T.
Other names: c.2051G>A, p.Arg684Lys (NM_001033053.3, NM_014922.5, NM_033006.4 and 1 more transcripts); short protein forms R684K.
Identifiers: ClinVar variation 1379121 (VCV001379121.6), dbSNP rs2151801905, ClinGen allele CA397383933.
Genomic context (GRCh38, chr17:5,558,645, plus strand): 5'-ACCCACTGCATCAGGTTCCTCCCCTGAGACAGCCGGCAGTGAAAGATGTTCTCCATCTCT[C>T]TCTCCCCCTCATCACTTAACAGGCCCAATAGGAAACGTGTGGTTGATGCCCCAAACAGGC-3'
Protein context (NP_127497.1, residues 674-694): LLGLLSDEGE[Arg684Lys]EMENIFHCRL

ClinVar aggregate classification (germline): Uncertain significance (1 of 4 stars; one submission).

Submission:

Labcorp Genetics (formerly Invitae), Labcorp
Classification: Uncertain significance. Last evaluated: 2024-08-27. Review status: criteria provided, single submitter. Criteria: Invitae Variant Classification Sherloc (09022015). Collection method: clinical testing. Allele origin: germline.
Comment: This sequence change replaces arginine, which is basic and polar, with lysine, which is basic and polar, at codon 684 of the NLRP1 protein (p.Arg684Lys). This variant is not present in population databases (gnomAD no frequency). This variant has not been reported in the literature in individuals affected with NLRP1-related conditions. ClinVar contains an entry for this variant (Variation ID: 1379121). An algorithm developed to predict the effect of missense changes on protein structure and function outputs the following: PolyPhen-2: "Benign". The lysine amino acid residue is found in multiple mammalian species, which suggests that this missense change does not adversely affect protein function. In summary, the available evidence is currently insufficient to determine the role of this variant in disease. Therefore, it has been classified as a Variant of Uncertain Significance.